The following is an entry in ClinVar:

ClinVar aggregate classification (germline): Likely pathogenic (1 of 4 stars; one submission).

Conditions:
Neurofibromatosis, type 1 (NF1). Also called: VON RECKLINGHAUSEN DISEASE; Peripheral type neurofibromatosis; Neurofibromatosis, type I; NEUROFIBROMATOSIS, TYPE I, SOMATIC. Identifiers: Orphanet 636, MedGen C0027831, MONDO:0018975, OMIM 162200. Disease mechanism: loss of function.

Submission:

MVZ Dr. Eberhard & Partner Dortmund
Classification: Likely pathogenic for Neurofibromatosis, type 1. Review status: criteria provided, single submitter. Criteria: ACMG Guidelines, 2015. Collection method: clinical testing. Allele origin: unknown.
Comment: According to our research, the 15 base pair deletion c.425_439del for p.(Leu142_Ser146del) in the NF1 gene has not yet been described in the literature and is not found in the reference population of different ethnic groups. At the protein level, this variant leads to the loss of 5 amino acids (Leu142, Phe143, Ser144, Leu145 and Ser146), without shifting the reading frame (in-frame deletion). At the deleted codon 145, the variant c.434T>C for p.(Leu145Pro) has been described in the literature as being the cause of neurofibromatosis type 1. ACMG-Criteria: PM2, PM4, PM5, PP4

NM_001042492.3(NF1):c.425_439del (p.Leu142_Ser146del)

Gene: NF1 (neurofibromin 1; plus strand). Cytogenetic location: 17q11.2.
Variant type: Deletion.
Coding change: c.425_439del on transcript NM_001042492.3 (MANE Select); coding-DNA positions 425 to 439, 15 bases deleted (TATTTTCTCTCAGCT).
Protein change: p.Leu142_Ser146del.
Molecular consequence: inframe deletion. On other transcripts: inframe indel (1).
Genome position (GRCh38, 1-based): chr17:31,163,322-31,163,336, TATTTTCTCTCAGCT deleted; deleting any 15 consecutive bases within chr17:31,163,321-31,163,336 gives the same sequence; the c. name uses the placement nearest the transcript's 3' end. VCF-style (leftmost placement, unchanged base first): chr17-31163320-TTTATTTTCTCTCAGC-T. GRCh37 (hg19) VCF-style: chr17-29490338-TTTATTTTCTCTCAGC-T.
Other names: c.425_439delTATTTTCTCTCAGCT, p.Leu142_Ser146del (NM_000267.4); c.425_439del, p.Leu142_Ser146del (NM_001128147.3).
Identifiers: ClinVar variation 3338017 (VCV003338017.1).